The following is an entry in ClinVar:

NM_004655.4(AXIN2):c.1279C>G (p.Pro427Ala)

Gene: AXIN2 (axin 2; minus strand). Cytogenetic location: 17q24.1.
Variant type: single nucleotide variant.
Coding change: c.1279C>G on transcript NM_004655.4 (MANE Select); coding-DNA position 1279, C replaced by G.
Protein change: p.Pro427Ala; replaces proline 427 with alanine.
Molecular consequence: missense variant.
Genome position (GRCh38, 1-based): chr17:65,537,757, G>C on the plus strand (C>G on the coding strand, the complement: AXIN2 is on the minus strand). VCF-style: chr17-65537757-G-C. GRCh37 (hg19) VCF-style: chr17-63533875-G-C.
Other names: c.1279C>G, p.Pro427Ala (NM_001363813.1); short protein forms P427A.
Identifiers: ClinVar variation 2829442 (VCV002829442.4), dbSNP rs2043960473, ClinGen allele CA400677828.

ClinVar aggregate classification (germline): Uncertain significance. Review status: criteria provided, multiple submitters, no conflicts (2 of 4 stars). 2 submissions from 2 submitters: Uncertain significance (2). Last evaluated 2026-07-07.

Conditions:
Hereditary cancer-predisposing syndrome. Also called: Hereditary Cancer Syndrome; Hereditary neoplastic syndrome; Neoplastic Syndromes, Hereditary; Tumor predisposition. Identifiers: Orphanet 140162, MedGen C0027672, MeSH D009386, MONDO:0015356.
Oligodontia-cancer predisposition syndrome. Also called: TOOTH AGENESIS-COLORECTAL CANCER SYNDROME. Identifiers: Orphanet 300576, MedGen C1837750, MONDO:0012075, OMIM 608615. Disease mechanism: loss of function.

Submissions (2):

Ambry Genetics
Classification: Uncertain significance for Hereditary cancer-predisposing syndrome. Last evaluated: 2026-07-07. Review status: criteria provided, single submitter. Criteria: Ambry Variant Classification Scheme 2023. Collection method: clinical testing. Allele origin: germline.
Comment: The p.P427A variant (also known as c.1279C>G), located in coding exon 5 of the AXIN2 gene, results from a C to G substitution at nucleotide position 1279. The proline at codon 427 is replaced by alanine, an amino acid with highly similar properties. This amino acid position is conserved. In addition, this alteration is predicted to be tolerated by in silico analysis. Based on the available evidence, the clinical significance of this variant remains unclear.

Labcorp Genetics (formerly Invitae), Labcorp
Classification: Uncertain significance for Oligodontia-cancer predisposition syndrome. Last evaluated: 2025-11-25. Review status: criteria provided, single submitter. Criteria: Invitae Variant Classification Sherloc (09022015). Collection method: clinical testing. Allele origin: germline.
Comment: This sequence change replaces proline, which is neutral and non-polar, with alanine, which is neutral and non-polar, at codon 427 of the AXIN2 protein (p.Pro427Ala). This variant is not present in population databases (gnomAD no frequency). This variant has not been reported in the literature in individuals affected with AXIN2-related conditions. ClinVar contains an entry for this variant (Variation ID: 2829442). Invitae Evidence Modeling of protein sequence and biophysical properties (such as structural, functional, and spatial information, amino acid conservation, physicochemical variation, residue mobility, and thermodynamic stability) indicates that this missense variant is not expected to disrupt AXIN2 protein function with a negative predictive value of 80%. In summary, the available evidence is currently insufficient to determine the role of this variant in disease. Therefore, it has been classified as a Variant of Uncertain Significance.